The following is an entry in ClinVar:

ClinVar aggregate classification (germline): Uncertain significance. Review status: criteria provided, multiple submitters, no conflicts (2 of 4 stars). 2 submissions from 2 submitters: Uncertain significance (2). Last evaluated 2024-06-24.

Conditions:
Joubert syndrome. Also called: CEREBELLOPARENCHYMAL DISORDER IV; JOUBERT-BOLTSHAUSER SYNDROME; Familial aplasia of the vermis. Identifiers: Orphanet 475, MedGen C5979921, MONDO:0018772.
Joubert syndrome 3 (JBTS3). Also called: AHI1-related Ciliopathy. Identifiers: Orphanet 220493, MedGen C1837713, MONDO:0012078, OMIM 608629.

Allele frequency attached by ClinVar (database versions not stated): gnomAD exomes below 0.00001; ExAC 0.00001; gnomAD 0.00003 and 0.00004; TOPMed 0.00005; ESP Exome Variant Server 0.00008.
gnomAD v4.1: 7 of 1,613,556 alleles (0.00043%); highest among the groups gnomAD compares: Non-Finnish European, 0.00059%; no homozygotes.

Submissions (2):

Fulgent Genetics
Classification: Uncertain significance for Joubert syndrome 3. Last evaluated: 2024-06-24. Review status: criteria provided, single submitter. Criteria: ACMG Guidelines, 2015. Collection method: clinical testing. Allele origin: germline.

Labcorp Genetics (formerly Invitae), Labcorp
Classification: Uncertain significance for Joubert syndrome. Last evaluated: 2022-06-27. Review status: criteria provided, single submitter. Criteria: Invitae Variant Classification Sherloc (09022015). Collection method: clinical testing. Allele origin: germline.
Comment: This sequence change replaces asparagine, which is neutral and polar, with serine, which is neutral and polar, at codon 43 of the AHI1 protein (p.Asn43Ser). This variant is present in population databases (rs367736269, gnomAD 0.0009%). This variant has not been reported in the literature in individuals affected with AHI1-related conditions. Advanced modeling of protein sequence and biophysical properties (such as structural, functional, and spatial information, amino acid conservation, physicochemical variation, residue mobility, and thermodynamic stability) performed at Invitae indicates that this missense variant is not expected to disrupt AHI1 protein function. In summary, the available evidence is currently insufficient to determine the role of this variant in disease. Therefore, it has been classified as a Variant of Uncertain Significance.

NM_001134831.2(AHI1):c.128A>G (p.Asn43Ser)

Gene: AHI1 (Abelson helper integration site 1; minus strand). Cytogenetic location: 6q23.3.
Variant type: single nucleotide variant.
Coding change: c.128A>G on transcript NM_001134831.2 (MANE Select); coding-DNA position 128, A replaced by G.
Protein change: p.Asn43Ser; replaces asparagine 43 with serine.
Molecular consequence: missense variant.
Genome position (GRCh38, 1-based): chr6:135,490,630, T>C on the plus strand (A>G on the coding strand, the complement: AHI1 is on the minus strand). VCF-style: chr6-135490630-T-C. GRCh37 (hg19) VCF-style: chr6-135811768-T-C.
Other names: c.128A>G, p.Asn43Ser (NM_001134830.2, NM_001134832.2, NM_001350503.2 and 2 more transcripts); c.128A>G (NM_017651.4); short protein forms N43S.
Identifiers: ClinVar variation 1392205 (VCV001392205.4), dbSNP rs367736269, ClinGen allele CA4012946.